The following is an entry in ClinVar:

ClinVar aggregate classification (germline): Uncertain significance. Review status: criteria provided, multiple submitters, no conflicts (2 of 4 stars). 2 submissions from 2 submitters: Uncertain significance (2). Last evaluated 2022-08-21.

Conditions:
Spastic paraplegia. Identifiers: MedGen C0037772, HP:0001258.

Allele frequency attached by ClinVar (database versions not stated): ExAC 0.00001; gnomAD exomes 0.00001.
gnomAD v4.1: 7 of 1,612,532 alleles (0.00043%); highest among the groups gnomAD compares: Non-Finnish European, 0.00059%; no homozygotes.

Submissions (2):

Labcorp Genetics (formerly Invitae), Labcorp
Classification: Uncertain significance for Spastic paraplegia. Last evaluated: 2022-08-21. Review status: criteria provided, single submitter. Criteria: Invitae Variant Classification Sherloc (09022015). Collection method: clinical testing. Allele origin: germline.
Comment: In summary, the available evidence is currently insufficient to determine the role of this variant in disease. Therefore, it has been classified as a Variant of Uncertain Significance. Advanced modeling of protein sequence and biophysical properties (such as structural, functional, and spatial information, amino acid conservation, physicochemical variation, residue mobility, and thermodynamic stability) performed at Invitae indicates that this missense variant is not expected to disrupt SACS protein function. ClinVar contains an entry for this variant (Variation ID: 994741). This variant has not been reported in the literature in individuals affected with SACS-related conditions. This variant is present in population databases (rs780746393, gnomAD 0.002%). This sequence change replaces phenylalanine, which is neutral and non-polar, with leucine, which is neutral and non-polar, at codon 3173 of the SACS protein (p.Phe3173Leu).

Athena Diagnostics
Classification: Uncertain significance. Last evaluated: 2019-12-04. Review status: criteria provided, single submitter. Criteria: Athena Diagnostics Criteria. Collection method: clinical testing. Allele origin: unknown.

NM_014363.6(SACS):c.9519T>G (p.Phe3173Leu)

Gene: SACS (sacsin molecular chaperone; minus strand). Cytogenetic location: 13q12.12.
Variant type: single nucleotide variant.
Coding change: c.9519T>G on transcript NM_014363.6 (MANE Select); coding-DNA position 9519, T replaced by G.
Protein change: p.Phe3173Leu; replaces phenylalanine 3173 with leucine.
Molecular consequence: missense variant.
Genome position (GRCh38, 1-based): chr13:23,334,357, A>C on the plus strand (T>G on the coding strand, the complement: SACS is on the minus strand). VCF-style: chr13-23334357-A-C. GRCh37 (hg19) VCF-style: chr13-23908496-A-C.
Other names: c.9078T>G, p.Phe3026Leu (NM_001278055.2); short protein forms F3026L, F3173L.
Identifiers: ClinVar variation 994741 (VCV000994741.4), dbSNP rs780746393, ClinGen allele CA6910612.
Genomic context (GRCh38, chr13:23,334,357, plus strand): 5'-ATATAATGTATTCATAAACAAGTCTTTGCGGGATGGAATCAATTCATGATATGTTGTTAG[A>C]AACTTGGGTCGTTTTGCATCAAAAGTTTGCAAAACACTGTCCAGTGTGATGAGAAGGGGC-3'
Protein context (NP_055178.3, residues 3163-3183): LQTFDAKRPK[Phe3173Leu]LTTYHELIPS